The following is an entry in ClinVar:

ClinVar aggregate classification (germline): Uncertain significance. Review status: criteria provided, multiple submitters, no conflicts (2 of 4 stars). 2 submissions from 2 submitters: Uncertain significance (2). Last evaluated 2024-01-28.

Conditions:
Intestinal hypomagnesemia 1. Also called: HYPOMAGNESEMIA, INTESTINAL, WITH SECONDARY HYPOCALCEMIA; HYPOMAGNESEMIC TETANY. Identifiers: Orphanet 30924, MedGen C1865974, MONDO:0011176, OMIM 602014.

Allele frequency attached by ClinVar (database versions not stated): ExAC 0.00003; gnomAD exomes 0.00003.
gnomAD v4.1: 44 of 1,613,764 alleles (0.0027%); highest among the groups gnomAD compares: Non-Finnish European, 0.0036%; no homozygotes.

Submissions (2):

Fulgent Genetics
Classification: Uncertain significance for Intestinal hypomagnesemia 1. Last evaluated: 2024-01-28. Review status: criteria provided, single submitter. Criteria: ACMG Guidelines, 2015. Collection method: clinical testing. Allele origin: germline.

Labcorp Genetics (formerly Invitae), Labcorp
Classification: Uncertain significance. Last evaluated: 2022-09-01. Review status: criteria provided, single submitter. Criteria: Invitae Variant Classification Sherloc (09022015). Collection method: clinical testing. Allele origin: germline.
Comment: This sequence change replaces alanine, which is neutral and non-polar, with threonine, which is neutral and polar, at codon 1268 of the TRPM6 protein (p.Ala1268Thr). This variant is present in population databases (rs758809239, gnomAD 0.006%). This variant has not been reported in the literature in individuals affected with TRPM6-related conditions. Algorithms developed to predict the effect of missense changes on protein structure and function output the following: SIFT: "Tolerated"; PolyPhen-2: "Benign"; Align-GVGD: "Class C0". The threonine amino acid residue is found in multiple mammalian species, which suggests that this missense change does not adversely affect protein function. In summary, the available evidence is currently insufficient to determine the role of this variant in disease. Therefore, it has been classified as a Variant of Uncertain Significance.

NM_017662.5(TRPM6):c.3802G>A (p.Ala1268Thr)

Gene: TRPM6 (transient receptor potential cation channel subfamily M member 6; minus strand). Cytogenetic location: 9q21.13.
Variant type: single nucleotide variant.
Coding change: c.3802G>A on transcript NM_017662.5 (MANE Select); coding-DNA position 3802, G replaced by A.
Protein change: p.Ala1268Thr; replaces alanine 1268 with threonine.
Molecular consequence: missense variant.
Genome position (GRCh38, 1-based): chr9:74,762,869, C>T on the plus strand (G>A on the coding strand, the complement: TRPM6 is on the minus strand). VCF-style: chr9-74762869-C-T. GRCh37 (hg19) VCF-style: chr9-77377785-C-T.
Other names: c.3787G>A, p.Ala1263Thr (NM_001177310.2, NM_001177311.2); short protein forms A1263T, A1268T.
Identifiers: ClinVar variation 2167393 (VCV002167393.2), dbSNP rs758809239, ClinGen allele CA5084211.